The following is an entry in ClinVar:

ClinVar aggregate classification (germline): Conflicting classifications of pathogenicity. Review status: criteria provided, conflicting classifications (1 of 4 stars). 4 submissions from 4 submitters: Likely pathogenic (2); Uncertain significance (2). Last evaluated 2025-12-16.

Conditions:
MPI-congenital disorder of glycosylation. Also called: CONGENITAL DISORDER OF GLYCOSYLATION, TYPE Ib; CDG Ib; MPI DEFICIENCY; MPI-CDG; MANNOSEPHOSPHATE ISOMERASE DEFICIENCY; PROTEIN-LOSING ENTEROPATHY-HEPATIC FIBROSIS SYNDROME. Identifiers: Orphanet 79319, MedGen C1865145, MONDO:0011257, OMIM 602579.

Allele frequency attached by ClinVar (database versions not stated): ExAC 0.00001; gnomAD 0.00001; gnomAD exomes 0.00001; TOPMed 0.00001.

Submissions (4):

Myriad Genetics, Inc.
Classification: Uncertain significance for MPI-congenital disorder of glycosylation. Last evaluated: 2025-12-16. Review status: criteria provided, single submitter. Criteria: Myriad Autosomal Dominant, Autosomal Recessive and X-Linked Classification Criteria (2023). Collection method: clinical testing. Allele origin: unknown.
Comment: NM_002435.1(MPI):c.419T>C(I140T) is a missense variant classified as a variant of uncertain significance in the context of congenital disorder of glycosylation, MPI-related. I140T has been observed in a case with relevant disease (PMID: 11350186). Relevant functional assessments of this variant are not available in the literature. I140T has been observed in referenced population frequency databases. In summary, there is insufficient evidence to classify NM_002435.1(MPI):c.419T>C(I140T) as pathogenic or benign. Please note: this variant was assessed in the context of healthy population screening.

Natera, Inc.
Classification: Likely pathogenic for Congenital disorder of glycosylation type 1b. Last evaluated: 2025-04-14. Review status: criteria provided, single submitter. Criteria: Natera Variant Classification Schema (03/2026). Collection method: clinical testing. Allele origin: germline.
Comment: The c.419T>C variant in MPI is a missense variant predicted to cause substitution of isoleucine to threonine at amino acid 140. This variant is rare in the general population with a frequency below the threshold expected for the associated phenotype(s). This variant has been observed in one or more individuals affected with the associated recessive disease, as either homozygous or compound heterozygous with a second variant (PMID: 11350186). Additionally, this variant has been observed to segregate in affected family members (PMID: 11350186). Computational prediction algorithms indicate this variant is likely to affect gene or protein function. Given the available evidence, this variant is classified as Likely Pathogenic.

Fulgent Genetics
Classification: Likely pathogenic for MPI-congenital disorder of glycosylation. Last evaluated: 2024-03-16. Review status: criteria provided, single submitter. Criteria: ACMG Guidelines, 2015. Collection method: clinical testing. Allele origin: germline.

Women's Health and Genetics/Laboratory Corporation of America, LabCorp
Classification: Uncertain significance. Last evaluated: 2024-03-15. Review status: criteria provided, single submitter. Criteria: LabCorp Variant Classification Summary - May 2015. Collection method: clinical testing. Allele origin: germline.
Comment: Variant summary: MPI c.419T>C (p.Ile140Thr) results in a non-conservative amino acid change located in the Phosphomannose isomerase type I, catalytic domain (IPR046457) of the encoded protein sequence. Four of five in-silico tools predict a damaging effect of the variant on protein function. The variant allele was found at a frequency of 1.2e-05 in 251462 control chromosomes. c.419T>C has been reported in the literature in at-least two siblings affected with Congenital Disorder Of Glycosylation Type 1B (example, Westphal_2001, Jones_2011). These data indicate that the variant may be associated with disease. The following publications have been ascertained in the context of this evaluation (PMID: 11350186, 21811164). To our knowledge, no experimental evidence demonstrating an impact on protein function has been reported. ClinVar contains an entry for this variant (Variation ID: 2676652). Based on the evidence outlined above, the variant was classified as VUS-possibly pathogenic.

Literature cited by the submitters: PubMed 11350186 (cited by 3 submitters); PubMed 21811164 (cited by Women's Health and Genetics/Laboratory Corporation of America, LabCorp).

NM_002435.3(MPI):c.419T>C (p.Ile140Thr)

Gene: MPI (mannose phosphate isomerase; plus strand). Cytogenetic location: 15q24.1.
Variant type: single nucleotide variant.
Coding change: c.419T>C on transcript NM_002435.3 (MANE Select); coding-DNA position 419, T replaced by C.
Protein change: p.Ile140Thr; replaces isoleucine 140 with threonine.
Molecular consequence: missense variant.
Genome position (GRCh38, 1-based): chr15:74,892,734, T>C. VCF-style: chr15-74892734-T-C. GRCh37 (hg19) VCF-style: chr15-75185075-T-C.
Other names: c.419T>C, p.Ile140Thr (NM_001289155.2, NM_001289157.2); c.269T>C, p.Ile90Thr (NM_001289156.2); c.359T>C, p.Ile120Thr (NM_001330372.2); c.419T>C (NM_002435.2); short protein forms I120T, I140T, I90T.
Identifiers: ClinVar variation 2676652 (VCV002676652.8), dbSNP rs773678732, ClinGen allele CA7662435.